The following is an entry in ClinVar:

NM_024513.4(FYCO1):c.1339C>T (p.Arg447Cys)

Gene: FYCO1 (FYVE and coiled-coil domain autophagy adaptor 1; minus strand). Cytogenetic location: 3p21.31.
Variant type: single nucleotide variant.
Coding change: c.1339C>T on transcript NM_024513.4 (MANE Select); coding-DNA position 1339, C replaced by T.
Protein change: p.Arg447Cys; replaces arginine 447 with cysteine.
Molecular consequence: missense variant.
Genome position (GRCh38, 1-based): chr3:45,967,995, G>A on the plus strand (C>T on the coding strand, the complement: FYCO1 is on the minus strand). VCF-style: chr3-45967995-G-A. GRCh37 (hg19) VCF-style: chr3-46009487-G-A.
Other names: short protein forms R447C.
Identifiers: ClinVar variation 261720 (VCV000261720.17), dbSNP rs33910087, ClinGen allele CA2353272.
Genomic context (GRCh38, chr3:45,967,995, plus strand): 5'-CTGCCTCCTGTCCCTTCCCAGACAACTCCTCCTGGAGTGGGGCCATCTCCTTCACCAGGC[G>A]CTCCAGGCTGGCCCGGGCATCCTCTTTCAGCTGAAGCTCCTTGACCAGCTGTTCCAGTTG-3'
Protein context (NP_078789.2, residues 437-457): LKEDARASLE[Arg447Cys]LVKEMAPLQE

ClinVar aggregate classification (germline): Benign. Review status: criteria provided, multiple submitters, no conflicts (2 of 4 stars). 6 submissions from 6 submitters: Benign (6). Last evaluated 2026-01-27.

Conditions:
Cataract 18 (CATC2). Also called: CATARACT 18, AUTOSOMAL RECESSIVE. Identifiers: Orphanet 91492, Orphanet 98991, Orphanet 98992, Orphanet 98995, MedGen C1864908, MONDO:0012395, OMIM 610019.

Allele frequency attached by ClinVar (database versions not stated): TOPMed 0.07562; ESP Exome Variant Server 0.08335; gnomAD 0.08920; 1000 Genomes Project 30x 0.10540; 1000 Genomes Project 0.10823; ExAC 0.12757.
gnomAD v4.1: 182,691 of 1,613,916 alleles (11%); highest among the groups gnomAD compares: South Asian, 34%; 13,793 homozygotes.

Submissions (6):

Labcorp Genetics (formerly Invitae), Labcorp
Classification: Benign for Cataract 18. Last evaluated: 2026-01-27. Review status: criteria provided, single submitter. Criteria: Invitae Variant Classification Sherloc (09022015). Collection method: clinical testing. Allele origin: germline.

Genome-Nilou Lab
Classification: Benign for Cataract 18. Last evaluated: 2021-08-10. Review status: criteria provided, single submitter. Criteria: ACMG Guidelines, 2015. Collection method: clinical testing. Allele origin: germline. Affected: no.

GeneDx
Classification: Benign. Last evaluated: 2018-05-10. Review status: criteria provided, single submitter. Criteria: GeneDx Variant Classification (06012015). Collection method: clinical testing. Allele origin: germline. Affected: yes.
Comment: This variant is considered likely benign or benign based on one or more of the following criteria: it is a conservative change, it occurs at a poorly conserved position in the protein, it is predicted to be benign by multiple in silico algorithms, and/or has population frequency not consistent with disease.

Illumina Laboratory Services, Illumina
Classification: Benign for Cataract 18. Last evaluated: 2018-01-13. Review status: criteria provided, single submitter. Criteria: ICSL Variant Classification Criteria 13 December 2019. Collection method: clinical testing. Allele origin: germline.
Comment: This variant was observed in the ICSL laboratory as part of a predisposition screen in an ostensibly healthy population. It had not been previously curated by ICSL or reported in the Human Gene Mutation Database (HGMD: prior to June 1st, 2018), and was therefore a candidate for classification through an automated scoring system. Utilizing variant allele frequency, disease prevalence and penetrance estimates, and inheritance mode, an automated score was calculated to assess if this variant is too frequent to cause the disease. Based on the score and internal cut-off values, a variant classified as benign is not then subjected to further curation. The score for this variant resulted in a classification of benign for this disease.

Breakthrough Genomics
Classification: Benign. Review status: criteria provided, single submitter. Criteria: ACMG Guidelines, 2015. Collection method: not provided. Allele origin: germline. Inheritance: Autosomal recessive inheritance. Affected: yes.

PreventionGenetics, part of Exact Sciences
Classification: Benign. Review status: criteria provided, single submitter. Criteria: ACMG Guidelines, 2015. Collection method: clinical testing. Allele origin: germline.